The following is an entry in ClinVar:

NM_006767.4(LZTR1):c.727T>G (p.Phe243Val)

Gene: LZTR1 (leucine zipper like post translational regulator 1; plus strand). Cytogenetic location: 22q11.21.
Variant type: single nucleotide variant.
Coding change: c.727T>G on transcript NM_006767.4 (MANE Select); coding-DNA position 727, T replaced by G.
Protein change: p.Phe243Val; replaces phenylalanine 243 with valine.
Molecular consequence: missense variant.
Genome position (GRCh38, 1-based): chr22:20,990,461, T>G. VCF-style: chr22-20990461-T-G. GRCh37 (hg19) VCF-style: chr22-21344750-T-G.
Other names: short protein forms F243V.
Identifiers: ClinVar variation 1758068 (VCV001758068.2), dbSNP rs2147964079, ClinGen allele CA410780572.

ClinVar aggregate classification (germline): Uncertain significance (1 of 4 stars; one submission).

Conditions:
Hereditary cancer-predisposing syndrome. Also called: Neoplastic Syndromes, Hereditary; Tumor predisposition; Hereditary Cancer Syndrome; Hereditary neoplastic syndrome. Identifiers: Orphanet 140162, MedGen C0027672, MeSH D009386, MONDO:0015356.
Cardiovascular phenotype. Identifiers: MedGen CN230736.

Submission:

Ambry Genetics
Classification: Uncertain significance for Cardiovascular phenotype; Hereditary cancer-predisposing syndrome. Last evaluated: 2022-08-28. Review status: criteria provided, single submitter. Criteria: Ambry Variant Classification Scheme 2023. Collection method: clinical testing. Allele origin: germline.
Comment: The p.F243V variant (also known as c.727T>G), located in coding exon 8 of the LZTR1 gene, results from a T to G substitution at nucleotide position 727. The phenylalanine at codon 243 is replaced by valine, an amino acid with highly similar properties. This amino acid position is conserved. In addition, this alteration is predicted to be deleterious by in silico analysis. Since supporting evidence is limited at this time, the clinical significance of this alteration remains unclear.